The following is an entry in ClinVar:

NM_002432.3(MNDA):c.397G>T (p.Ala133Ser)

Gene: MNDA (myeloid cell nuclear differentiation antigen; plus strand). Cytogenetic location: 1q23.1.
Variant type: single nucleotide variant.
Coding change: c.397G>T on transcript NM_002432.3 (MANE Select); coding-DNA position 397, G replaced by T.
Protein change: p.Ala133Ser; replaces alanine 133 with serine.
Molecular consequence: missense variant.
Genome position (GRCh38, 1-based): chr1:158,843,410, G>T. VCF-style: chr1-158843410-G-T. GRCh37 (hg19) VCF-style: chr1-158813200-G-T.
Other names: short protein forms A133S.
Identifiers: ClinVar variation 1736694 (VCV001736694.2), dbSNP rs1462883737, ClinGen allele CA343038905.
Genomic context (GRCh38, chr1:158,843,410, plus strand): 5'-GCACCTGCACCCACCGCAAGAAACAAACTGACATCGGAAGCAAGAGGGAGGATTCCTGTA[G>T]CTCAGGTAAGCTTGAGAAAGAGGAGCAGGACTGAAGCCTCACAGAAGATACTCTGCTATG-3'
Protein context (NP_002423.1, residues 123-143): TSEARGRIPV[Ala133Ser]QKRKTPNKEK

ClinVar aggregate classification (germline): Uncertain significance (1 of 4 stars; one submission).

Submission:

Ambry Genetics
Classification: Uncertain significance. Last evaluated: 2022-02-15. Review status: criteria provided, single submitter. Criteria: Ambry Variant Classification Scheme 2023. Collection method: clinical testing. Allele origin: germline.
Comment: The p.A133S variant (also known as c.397G>T), located in coding exon 2 of the MNDA gene, results from a G to T substitution at nucleotide position 397. The alanine at codon 133 is replaced by serine, an amino acid with similar properties. This amino acid position is conserved. In addition, this alteration is predicted to be tolerated by in silico analysis. Since supporting evidence is limited at this time, the clinical significance of this alteration remains unclear.